The following is an entry in ClinVar:

NM_015693.4(INTU):c.2257G>A (p.Gly753Arg)

Gene: INTU (inturned planar cell polarity protein; plus strand). Cytogenetic location: 4q28.1.
Variant type: single nucleotide variant.
Coding change: c.2257G>A on transcript NM_015693.4 (MANE Select); coding-DNA position 2257, G replaced by A.
Protein change: p.Gly753Arg; replaces glycine 753 with arginine.
Molecular consequence: missense variant.
Genome position (GRCh38, 1-based): chr4:127,706,955, G>A. VCF-style: chr4-127706955-G-A. GRCh37 (hg19) VCF-style: chr4-128628110-G-A.
Other names: c.2257G>A (NM_015693.3); short protein forms G753R.
Identifiers: ClinVar variation 2853497 (VCV002853497.4), dbSNP rs1730910024, ClinGen allele CA358139688.

ClinVar aggregate classification (germline): Uncertain significance. Review status: criteria provided, multiple submitters, no conflicts (2 of 4 stars). 2 submissions from 2 submitters: Uncertain significance (2). Last evaluated 2025-11-20.

Conditions:
Inborn genetic diseases. Identifiers: MedGen C0950123, MeSH D030342.

Allele frequency attached by ClinVar (database versions not stated): gnomAD exomes below 0.00001.
gnomAD v4.1: 1 of 1,613,304 alleles (0.000062%); highest among the groups gnomAD compares: East Asian, 0.0022%; no homozygotes.

Submissions (2):

Ambry Genetics
Classification: Uncertain significance for Inborn genetic diseases. Last evaluated: 2025-11-20. Review status: criteria provided, single submitter. Criteria: Ambry Variant Classification Scheme 2023. Collection method: clinical testing. Allele origin: germline.

Labcorp Genetics (formerly Invitae), Labcorp
Classification: Uncertain significance. Last evaluated: 2023-04-07. Review status: criteria provided, single submitter. Criteria: Invitae Variant Classification Sherloc (09022015). Collection method: clinical testing. Allele origin: germline.
Comment: In summary, the available evidence is currently insufficient to determine the role of this variant in disease. Therefore, it has been classified as a Variant of Uncertain Significance. Advanced modeling of protein sequence and biophysical properties (such as structural, functional, and spatial information, amino acid conservation, physicochemical variation, residue mobility, and thermodynamic stability) performed at Invitae indicates that this missense variant is not expected to disrupt INTU protein function. This variant has not been reported in the literature in individuals affected with INTU-related conditions. This variant is not present in population databases (gnomAD no frequency). This sequence change replaces glycine, which is neutral and non-polar, with arginine, which is basic and polar, at codon 753 of the INTU protein (p.Gly753Arg).